The following is an entry in ClinVar:

NM_002875.5(RAD51):c.523G>C (p.Ala175Pro)

Gene: RAD51 (RAD51 recombinase; plus strand). Cytogenetic location: 15q15.1.
Variant type: single nucleotide variant.
Coding change: c.523G>C on transcript NM_002875.5 (MANE Select); coding-DNA position 523, G replaced by C.
Protein change: p.Ala175Pro; replaces alanine 175 with proline.
Molecular consequence: missense variant.
Genome position (GRCh38, 1-based): chr15:40,718,892, G>C. VCF-style: chr15-40718892-G-C. GRCh37 (hg19) VCF-style: chr15-41011090-G-C.
Other names: c.526G>C, p.Ala176Pro (NM_001164269.2, NM_133487.4); c.523G>C, p.Ala175Pro (NM_001164270.2); short protein forms A175P, A176P.
Identifiers: ClinVar variation 1746291 (VCV001746291.2), dbSNP rs2141857614, ClinGen allele CA391753673.
Genomic context (GRCh38, chr15:40,718,892, plus strand): 5'-GGAAAGGCCATGTACATTGACACTGAGGGTACCTTTAGGCCAGAACGGCTGCTGGCAGTG[G>C]CTGAGAGGTAGGTTACTGGTTTAGATAAGAGAGACTATGGCTACACTTATCAATGTAGTG-3'
Protein context (NP_002866.2, residues 165-185): TFRPERLLAV[Ala175Pro]ERYGLSGSDV

ClinVar aggregate classification (germline): Uncertain significance (1 of 4 stars; one submission).

Conditions:
Inborn genetic diseases. Identifiers: MedGen C0950123, MeSH D030342.

Submission:

Ambry Genetics
Classification: Uncertain significance for Inborn genetic diseases. Last evaluated: 2022-01-01. Review status: criteria provided, single submitter. Criteria: Ambry Variant Classification Scheme 2023. Collection method: clinical testing. Allele origin: germline.
Comment: The p.A175P variant (also known as c.523G>C), located in coding exon 5 of the RAD51 gene, results from a G to C substitution at nucleotide position 523. The alanine at codon 175 is replaced by proline, an amino acid with highly similar properties. This amino acid position is conserved. In addition, this alteration is predicted to be deleterious by in silico analysis. Since supporting evidence is limited at this time, the clinical significance of this alteration remains unclear.